The following is an entry in ClinVar:

ClinVar aggregate classification (germline): Uncertain significance (1 of 4 stars; one submission).

Conditions:
Inborn genetic diseases. Identifiers: MedGen C0950123, MeSH D030342.

Submission:

Ambry Genetics
Classification: Uncertain significance for Inborn genetic diseases. Last evaluated: 2025-04-04. Review status: criteria provided, single submitter. Criteria: Ambry Variant Classification Scheme 2023. Collection method: clinical testing. Allele origin: germline.
Comment: The p.G1025A variant (also known as c.3074G>C), located in coding exon 18 of the RECQL4 gene, results from a G to C substitution at nucleotide position 3074. The glycine at codon 1025 is replaced by alanine, an amino acid with similar properties. This amino acid position is conserved. In addition, this alteration is predicted to be tolerated by in silico analysis. Based on the available evidence, the clinical significance of this variant remains unclear.

NM_004260.4(RECQL4):c.3074G>C (p.Gly1025Ala)

Gene: RECQL4 (RecQ like helicase 4; minus strand). Cytogenetic location: 8q24.3.
Variant type: single nucleotide variant.
Coding change: c.3074G>C on transcript NM_004260.4 (MANE Select); coding-DNA position 3074, G replaced by C.
Protein change: p.Gly1025Ala; replaces glycine 1025 with alanine.
Molecular consequence: missense variant. On other transcripts: non-coding transcript variant (2).
Genome position (GRCh38, 1-based): chr8:144,512,306, C>G on the plus strand (G>C on the coding strand, the complement: RECQL4 is on the minus strand). VCF-style: chr8-144512306-C-G. GRCh37 (hg19) VCF-style: chr8-145737689-C-G.
Other names: c.2780G>C, p.Gly927Ala (NM_001413017.1); c.2876G>C, p.Gly959Ala (NM_001413018.1); c.3149G>C, p.Gly1050Ala (NM_001413019.1); c.2978G>C, p.Gly993Ala (NM_001413020.1); c.2003G>C, p.Gly668Ala (NM_001413021.1, NM_001413022.1, NM_001413024.1 and 4 more transcripts); c.2078G>C, p.Gly693Ala (NM_001413023.1); c.2945G>C, p.Gly982Ala (NM_001413025.1); c.1937G>C, p.Gly646Ala (NM_001413027.1, NM_001413030.1, NM_001413032.1); and 9 more; short protein forms G536A, G658A, G959A, G982A, G993A, G1015A, G602A, G646A.
Identifiers: ClinVar variation 3944267 (VCV003944267.1).